The following is an entry in ClinVar:

NM_016373.4(WWOX):c.1219_1220inv (p.Glu407Ser)

Genes: MAF (MAF bZIP transcription factor; minus strand), WWOX (WW domain containing oxidoreductase; plus strand). Cytogenetic location: 16q23.2.
Variant type: Inversion.
Coding change: c.1219_1220inv on transcript NM_016373.4 (MANE Select).
Protein change: p.Glu407Ser; replaces glutamic acid 407 with serine.
Molecular consequence: missense variant.
Genome position: GRCh38 VCF-style: chr16-79211770-GA-TC. GRCh37 (hg19) VCF-style: chr16-79245667-GA-TC.
Other names: c.880_881inv, p.Glu294Ser (NM_001291997.2); short protein forms E407S, E294S.
Identifiers: ClinVar variation 968334 (VCV000968334.1), ClinGen allele CA1139664838.
Genomic context (GRCh38, chr16:79,211,770, plus strand): 5'-GAAGCTCAGAGCGAAGAGACGGCCCGGACCCTGTGGGCGCTCAGCGAGAGGCTGATCCAA[GA>TC]ACGGCTTGGCAGCCAGTCCGGCTAAGTGGAGCTCAGAGCGGATGGGCACACACACCCGCC-3'
Protein context (NP_057457.1, residues 397-414): LWALSERLIQ[Glu407Ser]RLGSQSG

ClinVar aggregate classification (germline): Uncertain significance (1 of 4 stars; one submission).

Conditions:
Autosomal recessive spinocerebellar ataxia 12. Also called: SPINOCEREBELLAR ATAXIA WITH MENTAL RETARDATION AND EPILEPSY. Identifiers: Orphanet 284282, MedGen C3280452, MONDO:0013687, OMIM 614322.
Developmental and epileptic encephalopathy, 1 (DEE1). Also called: X-linked infantile spasms; West's syndrome; Tonic spasms with clustering, arrest of psychomotor development and hypsarrhythmia on EEG; X-Linked Infantile Spasm Syndrome; OHTAHARA SYNDROME, X-LINKED; Epileptic encephalopathy, early infantile, 1. Identifiers: MedGen C3463992, MONDO:0010632, OMIM 308350. Disease mechanism: loss of function.

Submission:

Labcorp Genetics (formerly Invitae), Labcorp
Classification: Uncertain significance for Epileptic encephalopathy, early infantile, 1; Spinocerebellar ataxia, autosomal recessive 12. Last evaluated: 2019-03-26. Review status: criteria provided, single submitter. Criteria: Invitae Variant Classification Sherloc (09022015). Collection method: clinical testing. Allele origin: germline.
Comment: This sequence change replaces glutamic acid with serine at codon 407 of the WWOX protein (p.Glu407Ser). The glutamic acid residue is weakly conserved and there is a moderate physicochemical difference between glutamic acid and serine. This variant is not present in population databases (ExAC no frequency). This variant has not been reported in the literature in individuals with WWOX-related conditions. Algorithms developed to predict the effect of missense changes on protein structure and function are either unavailable or do not agree on the potential impact of this missense change (SIFT: "Deleterious"; PolyPhen-2: "Benign"; Align-GVGD: "Class C0"). In summary, the available evidence is currently insufficient to determine the role of this variant in disease. Therefore, it has been classified as a Variant of Uncertain Significance.